The following is an entry in ClinVar:

ClinVar aggregate classification (germline): Uncertain significance (1 of 4 stars; one submission).

Submission:

GeneDx
Classification: Uncertain significance. Last evaluated: 2023-03-21. Review status: criteria provided, single submitter. Criteria: GeneDx Variant Classification Process June 2021. Collection method: clinical testing. Allele origin: germline. Affected: yes.
Comment: Not observed at significant frequency in large population cohorts (gnomAD); In silico analysis supports that this missense variant has a deleterious effect on protein structure/function; Has not been previously published as pathogenic or benign to our knowledge

NM_021728.4(OTX2):c.553A>G (p.Met185Val)

Gene: OTX2 (orthodenticle homeobox 2; minus strand). Cytogenetic location: 14q22.3.
Variant type: single nucleotide variant.
Coding change: c.553A>G on transcript NM_021728.4 (MANE Select); coding-DNA position 553, A replaced by G.
Protein change: p.Met185Val; replaces methionine 185 with valine.
Molecular consequence: missense variant. On other transcripts: non-coding transcript variant (2).
Genome position (GRCh38, 1-based): chr14:56,802,076, T>C on the plus strand (A>G on the coding strand, the complement: OTX2 is on the minus strand). VCF-style: chr14-56802076-T-C. GRCh37 (hg19) VCF-style: chr14-57268794-T-C.
Other names: c.529A>G, p.Met177Val (NM_001270523.2, NM_001270524.2, NM_172337.3); c.553A>G, p.Met185Val (NM_001270525.2); short protein forms M177V, M185V.
Identifiers: ClinVar variation 2580560 (VCV002580560.1), dbSNP rs1209472542, ClinGen allele CA390051620.